The following is an entry in ClinVar:

NM_001122659.3(EDNRB):c.190C>T (p.Arg64Trp)

Gene: EDNRB (endothelin receptor type B; minus strand). Cytogenetic location: 13q22.3.
Variant type: single nucleotide variant.
Coding change: c.190C>T on transcript NM_001122659.3 (MANE Select); coding-DNA position 190, C replaced by T.
Protein change: p.Arg64Trp; replaces arginine 64 with tryptophan.
Molecular consequence: missense variant.
Genome position (GRCh38, 1-based): chr13:77,918,384, G>A on the plus strand (C>T on the coding strand, the complement: EDNRB is on the minus strand). VCF-style: chr13-77918384-G-A. GRCh37 (hg19) VCF-style: chr13-78492519-G-A.
Other names: c.190C>T, p.Arg64Trp (NM_000115.5, NM_003991.4); c.460C>T, p.Arg154Trp (NM_001201397.2); short protein forms R154W, R64W.
Identifiers: ClinVar variation 4527574 (VCV004527574.1).

ClinVar aggregate classification (germline): Uncertain significance (1 of 4 stars; one submission).

gnomAD v4.1: 3 of 1,604,732 alleles (0.00019%); highest among the groups gnomAD compares: Non-Finnish European, 0.00026%; no homozygotes.

Submission:

GeneDx
Classification: Uncertain significance. Last evaluated: 2025-04-23. Review status: criteria provided, single submitter. Criteria: GeneDx Variant Classification Process June 2021. Collection method: clinical testing. Allele origin: germline. Affected: yes.
Comment: In silico analysis indicates that this missense variant does not alter protein structure/function; Has not been previously published as pathogenic or benign to our knowledge